The following is an entry in ClinVar:

NM_033116.6(NEK9):c.2232T>C (p.Thr744=)

Gene: NEK9 (NIMA related kinase 9; minus strand). Cytogenetic location: 14q24.3.
Variant type: single nucleotide variant.
Coding change: c.2232T>C on transcript NM_033116.6 (MANE Select); coding-DNA position 2232, T replaced by C.
Protein change: p.Thr744=; no amino-acid change (threonine 744 retained).
Molecular consequence: synonymous variant.
Genome position (GRCh38, 1-based): chr14:75,095,373, A>G on the plus strand (T>C on the coding strand, the complement: NEK9 is on the minus strand). VCF-style: chr14-75095373-A-G. GRCh37 (hg19) VCF-style: chr14-75562076-A-G.
Other names: c.2268T>C, p.Thr756= (NM_001329237.2); c.1878T>C, p.Thr626= (NM_001329238.2).
Identifiers: ClinVar variation 712149 (VCV000712149.7), dbSNP rs61746426, ClinGen allele CA7276731.

ClinVar aggregate classification (germline): Conflicting classifications of pathogenicity. Review status: criteria provided, conflicting classifications (1 of 4 stars). 4 submissions from 4 submitters: Uncertain significance (1); Benign (1); Likely benign (2). Last evaluated 2025-10-10.

Conditions:
Arthrogryposis, Perthes disease, and upward gaze palsy. Identifiers: MedGen C3280309, MONDO:0013660, OMIM 614262.

Allele frequency attached by ClinVar (database versions not stated): gnomAD exomes 0.00020 and 0.00045; ExAC 0.00055; ESP Exome Variant Server 0.00161; gnomAD 0.00163 and 0.00177; 1000 Genomes Project 30x 0.00172; TOPMed 0.00178; 1000 Genomes Project 0.00200.
gnomAD v4.1: 574 of 1,610,814 alleles (0.036%); highest among the groups gnomAD compares: African/African-American, 0.54%; 3 homozygotes.

Submissions (4):

Women's Health and Genetics/Laboratory Corporation of America, LabCorp
Classification: Benign. Last evaluated: 2025-10-10. Review status: criteria provided, single submitter. Criteria: LabCorp Variant Classification Summary - May 2015. Collection method: clinical testing. Allele origin: germline.
Comment: Variant summary: NEK9 c.2232T>C (p.Thr744Thr) alters a conserved nucleotide located close to a canonical splice site and therefore could affect mRNA splicing, leading to a significantly altered protein sequence. Consensus agreement among computation tools predict no significant impact on normal splicing. However, these predictions have yet to be confirmed by functional studies. The variant allele was found at a frequency of 0.00045 in 250214 control chromosomes, predominantly at a frequency of 0.0049 within the African or African-American subpopulation in the gnomAD database. The observed variant frequency within African or African-American control individuals in the gnomAD database exceeds the estimated maximal expected allele frequency for disease-causing variants in NEK9. To our knowledge, no occurrence of c.2232T>C in individuals affected with NEK9-related conditions and no experimental evidence demonstrating its impact on protein function have been reported. ClinVar contains an entry for this variant (Variation ID: 712149). Based on the evidence outlined above, the variant was classified as benign.

Blueprint Genetics
Classification: Likely benign. Last evaluated: 2024-11-07. Review status: criteria provided, single submitter. Criteria: ACMG Guidelines, 2015. Collection method: clinical testing. Allele origin: germline.

Labcorp Genetics (formerly Invitae), Labcorp
Classification: Likely benign. Last evaluated: 2019-12-31. Review status: criteria provided, single submitter. Criteria: Invitae Variant Classification Sherloc (09022015). Collection method: clinical testing. Allele origin: germline.

Baylor Genetics
Classification: Uncertain significance for Arthrogryposis, Perthes disease, and upward gaze palsy. Last evaluated: 2018-03-02. Review status: criteria provided, single submitter. Criteria: ACMG Guidelines, 2015. Collection method: clinical testing. Allele origin: paternal. Affected: yes.
Comment: This variant was determined to be of uncertain significance according to ACMG Guidelines, 2015 [PMID:25741868].